The following is an entry in ClinVar:

ClinVar aggregate classification (germline): Uncertain significance (1 of 4 stars; one submission).

Allele frequency attached by ClinVar (database versions not stated): ExAC 0.00001; gnomAD 0.00001; 1000 Genomes Project 30x 0.00016; 1000 Genomes Project 0.00020.

Submission:

Ambry Genetics
Classification: Uncertain significance. Last evaluated: 2023-07-06. Review status: criteria provided, single submitter. Criteria: Ambry Variant Classification Scheme 2023. Collection method: clinical testing. Allele origin: germline.
Comment: The p.S98N variant (also known as c.293G>A), located in coding exon 5 of the NPAT gene, results from a G to A substitution at nucleotide position 293. The serine at codon 98 is replaced by asparagine, an amino acid with highly similar properties. This amino acid position is conserved. In addition, this alteration is predicted to be tolerated by in silico analysis. Since supporting evidence is limited at this time, the clinical significance of this alteration remains unclear.

NM_002519.3(NPAT):c.293G>A (p.Ser98Asn)

Gene: NPAT (nuclear protein, coactivator of histone transcription; minus strand). Cytogenetic location: 11q22.3.
Variant type: single nucleotide variant.
Coding change: c.293G>A on transcript NM_002519.3 (MANE Select); coding-DNA position 293, G replaced by A.
Protein change: p.Ser98Asn; replaces serine 98 with asparagine.
Molecular consequence: missense variant.
Genome position (GRCh38, 1-based): chr11:108,190,498, C>T on the plus strand (G>A on the coding strand, the complement: NPAT is on the minus strand). VCF-style: chr11-108190498-C-T. GRCh37 (hg19) VCF-style: chr11-108061225-C-T.
Other names: c.293G>A, p.Ser98Asn (NM_001321307.1); short protein forms S98N.
Identifiers: ClinVar variation 2587666 (VCV002587666.2), dbSNP rs150536428, ClinGen allele CA6264340.